The following is an entry in ClinVar:

ClinVar aggregate classification (germline): Uncertain significance. Review status: criteria provided, multiple submitters, no conflicts (2 of 4 stars). 2 submissions from 2 submitters: Uncertain significance (2). Last evaluated 2022-03-29.

Conditions:
Retinitis pigmentosa 43 (RP43). Identifiers: Orphanet 791, MedGen C3151139, MONDO:0013437, OMIM 613810.

Allele frequency attached by ClinVar (database versions not stated): gnomAD exomes below 0.00001 and 0.00001; TOPMed 0.00001; gnomAD 0.00002.

Submissions (2):

Labcorp Genetics (formerly Invitae), Labcorp
Classification: Uncertain significance. Last evaluated: 2022-03-29. Review status: criteria provided, single submitter. Criteria: Invitae Variant Classification Sherloc (09022015). Collection method: clinical testing. Allele origin: germline.
Comment: This sequence change results in a frameshift in the PDE6A gene (p.Gly850Asnfs*50). While this is not anticipated to result in nonsense mediated decay, it is expected to disrupt the last 11 amino acid(s) of the PDE6A protein and extend the protein by 38 additional amino acid residues. This variant is present in population databases (no rsID available, gnomAD 0.002%). This variant has not been reported in the literature in individuals affected with PDE6A-related conditions. ClinVar contains an entry for this variant (Variation ID: 836138). Experimental studies and prediction algorithms are not available or were not evaluated, and the functional significance of this variant is currently unknown. In summary, the available evidence is currently insufficient to determine the role of this variant in disease. Therefore, it has been classified as a Variant of Uncertain Significance.

Fulgent Genetics
Classification: Uncertain significance for Retinitis pigmentosa 43. Last evaluated: 2022-03-23. Review status: criteria provided, single submitter. Criteria: ACMG Guidelines, 2015. Collection method: clinical testing. Allele origin: unknown.

NM_000440.3(PDE6A):c.2548_2552del (p.Gly850fs)

Gene: PDE6A (phosphodiesterase 6A; minus strand). Cytogenetic location: 5q32.
Variant type: Deletion.
Coding change: c.2548_2552del on transcript NM_000440.3 (MANE Select); coding-DNA positions 2548 to 2552, 5 bases deleted (GGTGC; older notation c.2548_2552delGGTGC).
Protein change: p.Gly850fs; shifts the reading frame from glycine 850.
Molecular consequence: frameshift variant.
Genome position (GRCh38, 1-based): chr5:149,860,926-149,860,930, GCACC deleted on the plus strand (GGTGC on the coding strand, the reverse complement: PDE6A is on the minus strand). VCF-style (leftmost placement, unchanged base first): chr5-149860925-TGCACC-T. GRCh37 (hg19) VCF-style: chr5-149240488-TGCACC-T.
Other names: short protein forms G850fs.
Identifiers: ClinVar variation 836138 (VCV000836138.6), dbSNP rs1240421230, ClinGen allele CA563553864.